The following is an entry in ClinVar:

NM_000290.4(PGAM2):c.-32G>A

Genes: DBNL (drebrin like; plus strand), PGAM2 (phosphoglycerate mutase 2; minus strand). Cytogenetic location: 7p13.
Variant type: single nucleotide variant.
Coding change: c.-32G>A on transcript NM_000290.4 (MANE Select); 32 bases upstream of the start codon, G replaced by A.
Molecular consequence: 5 prime UTR variant. On other transcripts: 3 prime UTR variant (6).
Genome position (GRCh38, 1-based): chr7:44,065,561, C>T on the plus strand (G>A on the coding strand, the complement: PGAM2 is on the minus strand). VCF-style: chr7-44065561-C-T. GRCh37 (hg19) VCF-style: chr7-44105160-C-T.
Other names: c.*4645C>T (NM_001014436.3, NM_001122956.2, NM_001284313.2 and 3 more transcripts).
Identifiers: ClinVar variation 513247 (VCV000513247.2), dbSNP rs770194022, ClinGen allele CA4236714.

ClinVar aggregate classification (germline): Likely benign (1 of 4 stars; one submission).

Allele frequency attached by ClinVar (database versions not stated): gnomAD 0.00001; TOPMed 0.00002; gnomAD exomes 0.00004; ExAC 0.00006.
gnomAD v4.1: 34 of 1,606,046 alleles (0.0021%); highest among the groups gnomAD compares: South Asian, 0.011%; no homozygotes.

Submission:

GeneDx
Classification: Likely benign. Last evaluated: 2017-11-13. Review status: criteria provided, single submitter. Criteria: GeneDx Variant Classification (06012015). Collection method: clinical testing. Allele origin: germline. Affected: yes.
Comment: This variant is considered likely benign or benign based on one or more of the following criteria: it is a conservative change, it occurs at a poorly conserved position in the protein, it is predicted to be benign by multiple in silico algorithms, and/or has population frequency not consistent with disease.